The following is an entry in ClinVar:

NM_018207.3(TRIM62):c.408+4599G>A

Genes: TRIM62 (tripartite motif containing 62; minus strand), ZNF362 (zinc finger protein 362; plus strand). Cytogenetic location: 1p35.1.
Variant type: single nucleotide variant.
Coding change: c.408+4599G>A on transcript NM_018207.3 (MANE Select); 4599 bases into the intron after coding-DNA position 408, G replaced by A.
Molecular consequence: intron variant. On other transcripts: synonymous variant (1).
Genome position (GRCh38, 1-based): chr1:33,176,426, C>T on the plus strand (G>A on the coding strand, the complement: TRIM62 is on the minus strand). VCF-style: chr1-33176426-C-T. GRCh37 (hg19) VCF-style: chr1-33642027-C-T.
Other names: c.27G>A, p.Gln9= (NM_001330483.2).
Identifiers: ClinVar variation 2638617 (VCV002638617.24), dbSNP rs2523353691, ClinGen allele CA2695197995.

ClinVar aggregate classification (germline): Likely benign (1 of 4 stars; one submission).

Submission:

CeGaT Center for Human Genetics Tuebingen
Classification: Likely benign. Last evaluated: 2022-08-01. Review status: criteria provided, single submitter. Criteria: CeGaT Center For Human Genetics Tuebingen Variant Classification Criteria Version 2. Collection method: clinical testing. Allele origin: germline. Affected: yes. Observed: 1 variant allele.
Comment: TRIM62: PM2:Supporting, BP4, BP7